The following is an entry in ClinVar:

ClinVar aggregate classification (germline): Uncertain significance (1 of 4 stars; one submission).

Conditions:
Neuronal ceroid lipofuscinosis. Also called: Neuronal Ceroid Lipofuscinoses. Identifiers: Orphanet 216, Orphanet 79263, MedGen C0027877, MONDO:0016295. Disease mechanism: loss of function.

Submission:

Labcorp Genetics (formerly Invitae), Labcorp
Classification: Uncertain significance for Neuronal ceroid lipofuscinosis. Last evaluated: 2022-06-25. Review status: criteria provided, single submitter. Criteria: Invitae Variant Classification Sherloc (09022015). Collection method: clinical testing. Allele origin: germline.
Comment: This sequence change replaces serine, which is neutral and polar, with alanine, which is neutral and non-polar, at codon 11 of the CLN5 protein (p.Ser11Ala). This variant is not present in population databases (gnomAD no frequency). This variant has not been reported in the literature in individuals affected with CLN5-related conditions. Algorithms developed to predict the effect of missense changes on protein structure and function output the following: SIFT: "Deleterious"; PolyPhen-2: "Benign"; Align-GVGD: "Class C0". The alanine amino acid residue is found in multiple mammalian species, which suggests that this missense change does not adversely affect protein function. In summary, the available evidence is currently insufficient to determine the role of this variant in disease. Therefore, it has been classified as a Variant of Uncertain Significance.

NC_000013.11:g.76991982T>G

Gene: CLN5 (CLN5 lysosomal BMP synthase; plus strand). Cytogenetic location: 13q22.3.
Variant type: single nucleotide variant.
Molecular consequence: missense variant (on NM_006493.2).
Genome position: GRCh38 VCF-style: chr13-76991982-T-G. GRCh37 (hg19) VCF-style: chr13-77566117-T-G.
Other names: c.31T>G, p.Ser11Ala (NM_006493.2); short protein forms S11A.
Identifiers: ClinVar variation 1930642 (VCV001930642.2), dbSNP rs755587208, ClinGen allele CA388305662.